The following is an entry in ClinVar:

NM_004329.3(BMPR1A):c.148T>C (p.Leu50=)

Gene: BMPR1A (bone morphogenetic protein receptor type 1A; plus strand). Cytogenetic location: 10q23.2.
Variant type: single nucleotide variant.
Coding change: c.148T>C on transcript NM_004329.3 (MANE Select); coding-DNA position 148, T replaced by C.
Protein change: p.Leu50=; no amino-acid change (leucine 50 retained).
Molecular consequence: synonymous variant.
Genome position (GRCh38, 1-based): chr10:86,890,142, T>C. VCF-style: chr10-86890142-T-C. GRCh37 (hg19) VCF-style: chr10-88649899-T-C.
Identifiers: ClinVar variation 482855 (VCV000482855.23), dbSNP rs964544915, ClinGen allele CA211182763.

ClinVar aggregate classification (germline): Benign/Likely benign. Review status: criteria provided, multiple submitters, no conflicts (2 of 4 stars). 7 submissions from 7 submitters: Benign (1); Likely benign (6). Last evaluated 2025-08-03.

Conditions:
Juvenile polyposis syndrome (JPS). Identifiers: Orphanet 2929, MedGen C0345893, MONDO:0017380, OMIM 174900.
Hereditary cancer-predisposing syndrome. Also called: Hereditary neoplastic syndrome; Neoplastic Syndromes, Hereditary; Tumor predisposition; Hereditary Cancer Syndrome. Identifiers: Orphanet 140162, MedGen C0027672, MeSH D009386, MONDO:0015356.

Allele frequency attached by ClinVar (database versions not stated): gnomAD exomes below 0.00001; TOPMed 0.00001.
gnomAD v4.1: 5 of 1,614,132 alleles (0.00031%); highest among the groups gnomAD compares: Non-Finnish European, 0.00042%; no homozygotes.

Submissions (7):

Labcorp Genetics (formerly Invitae), Labcorp
Classification: Likely benign for Juvenile polyposis syndrome. Last evaluated: 2025-08-03. Review status: criteria provided, single submitter. Criteria: Invitae Variant Classification Sherloc (09022015). Collection method: clinical testing. Allele origin: germline.

Women's Health and Genetics/Laboratory Corporation of America, LabCorp
Classification: Likely benign. Last evaluated: 2025-07-11. Review status: criteria provided, single submitter. Criteria: LabCorp Variant Classification Summary - May 2015. Collection method: clinical testing. Allele origin: germline.

Myriad Genetics, Inc.
Classification: Benign for Juvenile polyposis syndrome. Last evaluated: 2024-07-31. Review status: criteria provided, single submitter. Criteria: Myriad Autosomal Dominant, Autosomal Recessive and X-Linked Classification Criteria (2023). Collection method: clinical testing. Allele origin: unknown.
Comment: This variant is considered benign. This variant is a silent/synonymous amino acid change and it is not expected to impact splicing.

All of Us Research Program, National Institutes of Health
Classification: Likely benign for Juvenile polyposis syndrome. Last evaluated: 2023-12-18. Review status: criteria provided, single submitter. Criteria: ACMG Guidelines, 2015. Collection method: clinical testing. Allele origin: germline. Inheritance: Autosomal dominant inheritance. Observed: 2 variant alleles, 2 heterozygotes.
Comment: This study involves interpretation of variants in research participants for the purpose of population health screening. Participant phenotype was not available at the time of variant classification. Additional details can be found in publication PMID: 35346344, PMCID: PMC8962531

Color Diagnostics, LLC DBA Color Health
Classification: Likely benign for Hereditary cancer-predisposing syndrome. Last evaluated: 2019-05-16. Review status: criteria provided, single submitter. Criteria: ACMG Guidelines, 2015. Collection method: clinical testing. Allele origin: germline.

GeneDx
Classification: Likely benign. Last evaluated: 2019-05-09. Review status: criteria provided, single submitter. Criteria: GeneDx Variant Classification Process June 2021. Collection method: clinical testing. Allele origin: germline. Affected: yes.

Ambry Genetics
Classification: Likely benign for Hereditary cancer-predisposing syndrome. Last evaluated: 2017-07-19. Review status: criteria provided, single submitter. Criteria: Ambry Variant Classification Scheme 2023. Collection method: clinical testing. Allele origin: germline.